The following is an entry in ClinVar:

NM_003803.4(MYOM1):c.1644-19A>G

Gene: MYOM1 (myomesin 1; minus strand). Cytogenetic location: 18p11.31.
Variant type: single nucleotide variant.
Coding change: c.1644-19A>G on transcript NM_003803.4 (MANE Select); 19 bases into the intron before coding-DNA position 1644, A replaced by G.
Molecular consequence: intron variant.
Genome position (GRCh38, 1-based): chr18:3,151,912, T>C on the plus strand (A>G on the coding strand, the complement: MYOM1 is on the minus strand). VCF-style: chr18-3151912-T-C. GRCh37 (hg19) VCF-style: chr18-3151910-T-C.
Other names: c.1644-19A>G (NM_019856.2).
Identifiers: ClinVar variation 3665114 (VCV003665114.2).

ClinVar aggregate classification (germline): Uncertain significance (1 of 4 stars; one submission).

Conditions:
Hypertrophic cardiomyopathy. Also called: HYPERTROPHIC MYOCARDIOPATHY. Identifiers: Orphanet 217569, MedGen C0007194, MeSH D002312, MONDO:0005045, HP:0001639.

gnomAD v4.1: 9 of 1,603,136 alleles (0.00056%); highest among the groups gnomAD compares: African/African-American, 0.0013%; no homozygotes.

Submission:

Labcorp Genetics (formerly Invitae), Labcorp
Classification: Uncertain significance for Hypertrophic cardiomyopathy. Last evaluated: 2024-08-15. Review status: criteria provided, single submitter. Criteria: Invitae Variant Classification Sherloc (09022015). Collection method: clinical testing. Allele origin: germline.
Comment: This sequence change falls in intron 11 of the MYOM1 gene. It does not directly change the encoded amino acid sequence of the MYOM1 protein. This variant is present in population databases (no rsID available, gnomAD 0.03%). This variant has not been reported in the literature in individuals affected with MYOM1-related conditions. Algorithms developed to predict the effect of sequence changes on RNA splicing suggest that this variant may disrupt the consensus splice site. In summary, the available evidence is currently insufficient to determine the role of this variant in disease. Therefore, it has been classified as a Variant of Uncertain Significance.